The following is an entry in ClinVar:

ClinVar aggregate classification (germline): Conflicting classifications of pathogenicity. Review status: criteria provided, conflicting classifications (1 of 4 stars). 3 submissions from 3 submitters: Uncertain significance (2); Likely benign (1). Last evaluated 2024-01-09.

Conditions:
Hereditary cancer-predisposing syndrome. Also called: Neoplastic Syndromes, Hereditary; Tumor predisposition; Hereditary Cancer Syndrome; Hereditary neoplastic syndrome. Identifiers: Orphanet 140162, MedGen C0027672, MeSH D009386, MONDO:0015356.
Hereditary breast ovarian cancer syndrome. Also called: Hereditary breast and ovarian cancer syndrome; Hereditary breast and ovarian cancer syndrome (HBOC); Hereditary breast and ovarian cancer; BRCA1- and BRCA2-Associated Hereditary Breast and Ovarian Cancer; Breast and ovarian cancer; Hereditary breast and/or ovarian cancer syndrome. Identifiers: Orphanet 145, MedGen C0677776, MeSH D061325, MONDO:0003582. Disease mechanism: loss of function.
Familial cancer of breast. Also called: BREAST CANCER, FAMILIAL; hereditary breast carcinoma; Hereditary breast cancer. Identifiers: Orphanet 227535, MedGen C0346153, MONDO:0016419, OMIM 114480. Disease mechanism: loss of function.

Allele frequency attached by ClinVar (database versions not stated): gnomAD exomes below 0.00001; TOPMed 0.00001.
gnomAD v4.1: 2 of 1,614,024 alleles (0.00012%); highest among the groups gnomAD compares: African/African-American, 0.0013%; no homozygotes.

Submissions (3):

Ambry Genetics
Classification: Likely benign for Hereditary cancer-predisposing syndrome. Last evaluated: 2024-01-09. Review status: criteria provided, single submitter. Criteria: Ambry Variant Classification Scheme 2023. Collection method: clinical testing. Allele origin: germline.

Labcorp Genetics (formerly Invitae), Labcorp
Classification: Uncertain significance for Familial cancer of breast. Last evaluated: 2023-08-19. Review status: criteria provided, single submitter. Criteria: Invitae Variant Classification Sherloc (09022015). Collection method: clinical testing. Allele origin: germline.
Comment: In summary, the available evidence is currently insufficient to determine the role of this variant in disease. Therefore, it has been classified as a Variant of Uncertain Significance. Algorithms developed to predict the effect of missense changes on protein structure and function output the following: SIFT: "Not Available"; PolyPhen-2: "Benign"; Align-GVGD: "Not Available". The aspartic acid amino acid residue is found in multiple mammalian species, which suggests that this missense change does not adversely affect protein function. ClinVar contains an entry for this variant (Variation ID: 460689). This variant has not been reported in the literature in individuals affected with BARD1-related conditions. This variant is not present in population databases (gnomAD no frequency). This sequence change replaces glycine, which is neutral and non-polar, with aspartic acid, which is acidic and polar, at codon 373 of the BARD1 protein (p.Gly373Asp).

National Health Laboratory Service, Universitas Academic Hospital and University of the Free State
Classification: Uncertain significance for Hereditary breast ovarian cancer syndrome. Last evaluated: 2022-04-19. Review status: criteria provided, single submitter. Criteria: ACMG Guidelines, 2015. Collection method: clinical testing. Allele origin: germline. Affected: yes. Observed: 1 variant allele.

NM_000465.4(BARD1):c.1118G>A (p.Gly373Asp)

Gene: BARD1 (BRCA1 associated RING domain 1; minus strand). Cytogenetic location: 2q35.
Variant type: single nucleotide variant.
Coding change: c.1118G>A on transcript NM_000465.4 (MANE Select); coding-DNA position 1118, G replaced by A.
Protein change: p.Gly373Asp; replaces glycine 373 with aspartic acid.
Molecular consequence: missense variant. On other transcripts: non-coding transcript variant (2), intron variant (3).
Genome position (GRCh38, 1-based): chr2:214,780,756, C>T on the plus strand (G>A on the coding strand, the complement: BARD1 is on the minus strand). VCF-style: chr2-214780756-C-T. GRCh37 (hg19) VCF-style: chr2-215645480-C-T.
Other names: NP_000456.2:p.Gly373Asp; c.1061G>A, p.Gly354Asp (NM_001282543.2); c.159-28201G>A (NM_001282548.2); c.215+16305G>A (NM_001282545.2); c.364+11541G>A (NM_001282549.2); c.1118G>A (NM_000465.2); short protein forms G373D, G354D.
Identifiers: ClinVar variation 460689 (VCV000460689.10), dbSNP rs568305044, ClinGen allele CA64788116.